The following is an entry in ClinVar:

ClinVar aggregate classification (germline): Pathogenic (1 of 4 stars; one submission).

Conditions:
Capillary malformation-arteriovenous malformation syndrome. Also called: Capillary malformation-arteriovenous malformation. Identifiers: Orphanet 137667, MedGen C1842180, MONDO:0012016.

Submission:

Labcorp Genetics (formerly Invitae), Labcorp
Classification: Pathogenic for Capillary malformation-arteriovenous malformation syndrome. Last evaluated: 2023-05-29. Review status: criteria provided, single submitter. Criteria: Invitae Variant Classification Sherloc (09022015). Collection method: clinical testing. Allele origin: germline.
Comment: For these reasons, this variant has been classified as Pathogenic. This variant has not been reported in the literature in individuals affected with RASA1-related conditions. This variant is not present in population databases (gnomAD no frequency). This sequence change creates a premature translational stop signal (p.Tyr142*) in the RASA1 gene. It is expected to result in an absent or disrupted protein product. Loss-of-function variants in RASA1 are known to be pathogenic (PMID: 24038909).

Literature cited by the submitters: PubMed 24038909.

NM_002890.3(RASA1):c.426C>G (p.Tyr142Ter)

Gene: RASA1 (RAS p21 protein activator 1; plus strand). Cytogenetic location: 5q14.3.
Variant type: single nucleotide variant.
Coding change: c.426C>G on transcript NM_002890.3 (MANE Select); coding-DNA position 426, C replaced by G.
Protein change: p.Tyr142Ter; replaces tyrosine 142 with a stop codon.
Molecular consequence: nonsense.
Genome position (GRCh38, 1-based): chr5:87,268,877, C>G. VCF-style: chr5-87268877-C-G. GRCh37 (hg19) VCF-style: chr5-86564694-C-G.
Other names: short protein forms Y142*.
Identifiers: ClinVar variation 2746283 (VCV002746283.3), dbSNP rs2531003517, ClinGen allele CA360417365.